The following is an entry in ClinVar:

ClinVar aggregate classification (germline): Conflicting classifications of pathogenicity. Review status: criteria provided, conflicting classifications (1 of 4 stars). 8 submissions from 8 submitters: Uncertain significance (5); Benign (1); Likely benign (2). Last evaluated 2025-11-20.

Conditions:
Hereditary cancer-predisposing syndrome. Also called: Hereditary neoplastic syndrome; Neoplastic Syndromes, Hereditary; Tumor predisposition; Hereditary Cancer Syndrome. Identifiers: Orphanet 140162, MedGen C0027672, MeSH D009386, MONDO:0015356.
Hereditary breast ovarian cancer syndrome. Also called: Hereditary breast and ovarian cancer syndrome (HBOC); Breast and ovarian cancer; Hereditary breast and/or ovarian cancer syndrome; BRCA1- and BRCA2-Associated Hereditary Breast and Ovarian Cancer; Hereditary breast and ovarian cancer syndrome; Hereditary breast and ovarian cancer. Identifiers: Orphanet 145, MedGen C0677776, MeSH D061325, MONDO:0003582. Disease mechanism: loss of function.

Allele frequency attached by ClinVar (database versions not stated): gnomAD exomes below 0.00001; TOPMed below 0.00001; gnomAD 0.00001.
gnomAD v4.1: 8 of 1,613,884 alleles (0.0005%); highest among the groups gnomAD compares: Non-Finnish European, 0.00068%; no homozygotes.

Submissions (8):

Labcorp Genetics (formerly Invitae), Labcorp
Classification: Benign for Hereditary breast ovarian cancer syndrome. Last evaluated: 2025-11-20. Review status: criteria provided, single submitter. Criteria: Invitae Variant Classification Sherloc (09022015). Collection method: clinical testing. Allele origin: germline.

Ambry Genetics
Classification: Uncertain significance for Hereditary cancer-predisposing syndrome. Last evaluated: 2025-10-01. Review status: criteria provided, single submitter. Criteria: Ambry Variant Classification Scheme 2023. Collection method: clinical testing. Allele origin: germline.
Comment: The p.E1004Q variant (also known as c.3010G>C), located in coding exon 9 of the BRCA1 gene, results from a G to C substitution at nucleotide position 3010. The glutamic acid at codon 1004 is replaced by glutamine, an amino acid with highly similar properties. This amino acid position is not well conserved in available vertebrate species. In addition, the in silico prediction for this alteration is inconclusive. Since supporting evidence is limited at this time, the clinical significance of this alteration remains unclear.

ARUP Laboratories, Molecular Genetics and Genomics, ARUP Laboratories
Classification: Likely benign. Last evaluated: 2024-08-09. Review status: criteria provided, single submitter. Criteria: ARUP Molecular Germline Variant Investigation Process 2024. Collection method: clinical testing. Allele origin: germline.

University of Washington Department of Laboratory Medicine, University of Washington
Classification: Likely benign for Hereditary cancer-predisposing syndrome. Last evaluated: 2023-03-23. Review status: criteria provided, single submitter. Criteria: Dines et al. (Genet Med. 2020). Collection method: curation. Allele origin: germline.
Comment: Missense variant in a coldspot region where missense variants are very unlikely to be pathogenic (PMID:31911673).

BRCA1 coldspot (exon 11 using historical exon numbering). Reclassification based on statistical prior probability

GeneDx
Classification: Uncertain significance. Last evaluated: 2021-08-23. Review status: criteria provided, single submitter. Criteria: GeneDx Variant Classification Process June 2021. Collection method: clinical testing. Allele origin: germline. Affected: yes.
Comment: Not observed at significant frequency in large population cohorts (Lek et al., 2016); In silico analysis supports that this missense variant does not alter protein structure/function; Has not been previously published as pathogenic or benign to our knowledge; Also known as 3129G>C; This variant is associated with the following publications: (PMID: 15343273)

Color Diagnostics, LLC DBA Color Health
Classification: Uncertain significance for Hereditary cancer-predisposing syndrome. Last evaluated: 2020-02-14. Review status: criteria provided, single submitter. Criteria: ACMG Guidelines, 2015. Collection method: clinical testing. Allele origin: germline.
Comment: This missense variant replaces glutamic acid with glutamine at codon 1004 of the BRCA1 protein. Computational prediction suggests that this variant may not impact protein structure and function (internally defined REVEL score threshold <= 0.5, PMID: 27666373). Splice site prediction tools suggest that this variant may not impact RNA splicing. To our knowledge, functional studies have not been performed for this variant. This variant has not been reported in individuals affected with hereditary cancer in the literature. This variant has been identified in 2/282246 chromosomes in the general population by the Genome Aggregation Database (gnomAD). The available evidence is insufficient to determine the role of this variant in disease conclusively. Therefore, this variant is classified as a Variant of Uncertain Significance.

Quest Diagnostics Nichols Institute San Juan Capistrano
Classification: Uncertain significance. Last evaluated: 2018-10-30. Review status: criteria provided, single submitter. Criteria: Quest Diagnostics criteria. Collection method: clinical testing. Allele origin: germline.

Women's Health and Genetics/Laboratory Corporation of America, LabCorp
Classification: Uncertain significance. Last evaluated: 2017-07-27. Review status: criteria provided, single submitter. Criteria: LabCorp Variant Classification Summary - May 2015. Collection method: clinical testing. Allele origin: germline.
Comment: Variant summary: The BRCA1 c.3010G>C (p.Glu1004Gln) variant involves the alteration of a conserved nucleotide that does not lie within a known functional domain (InterPro). 2/3 in silico tools predict a benign outcome for this variant (SNPsandGO and MutationTaster not captured due to low reliability index/p-value). This variant is absent in 121088 control chromosomes (ExAC), but is present in gnomAD (2/276894 control chromosomes). Multiple clinical diagnostic laboratories/reputable databases have classified this variant as one of uncertain significance. The variant of interest has not, to our knowledge, been reported in affected individuals via publications, nor has it been evaluated for functional impact by in vivo/vitro studies. Due to the absence of clinical information and lack of functional studies, the variant is classified as a variant of uncertain significance (VUS) until additional information becomes available.

NM_007294.4(BRCA1):c.3010G>C (p.Glu1004Gln)

Gene: BRCA1 (BRCA1 DNA repair associated; minus strand). Cytogenetic location: 17q21.31.
Variant type: single nucleotide variant.
Coding change: c.3010G>C on transcript NM_007294.4 (MANE Select); coding-DNA position 3010, G replaced by C.
Protein change: p.Glu1004Gln; replaces glutamic acid 1004 with glutamine.
Molecular consequence: missense variant. On other transcripts: intron variant (137).
Genome position (GRCh38, 1-based): chr17:43,092,521, C>G on the plus strand (G>C on the coding strand, the complement: BRCA1 is on the minus strand). VCF-style: chr17-43092521-C-G. GRCh37 (hg19) VCF-style: chr17-41244538-C-G.
Other names: c.3001G>C, p.Glu1001Gln (NM_001407646.1, NM_001407647.1); c.2887G>C, p.Glu963Gln (NM_001407648.1, NM_001407664.1, NM_001407665.1 and 19 more transcripts); c.2884G>C, p.Glu962Gln (NM_001407649.1, NM_001407670.1, NM_001407671.1 and 11 more transcripts); c.3010G>C, p.Glu1004Gln (NM_001407652.1, NM_001407684.1, NM_001407854.1 and 30 more transcripts); c.2932G>C, p.Glu978Gln (NM_001407653.1, NM_001407654.1, NM_001407655.1 and 4 more transcripts); c.2929G>C, p.Glu977Gln (NM_001407659.1, NM_001407660.1, NM_001407661.1 and 1 more transcripts); c.2869G>C, p.Glu957Gln (NM_001407692.1, NM_001407694.1, NM_001407695.1 and 29 more transcripts); c.2866G>C, p.Glu956Gln (NM_001407740.1, NM_001407741.1, NM_001407742.1 and 20 more transcripts); and 41 more; short protein forms E1004Q, E957Q, E1003Q, E934Q, E937Q, E956Q, E978Q, E708Q.
Identifiers: ClinVar variation 185883 (VCV000185883.29), dbSNP rs786202534, ClinGen allele CA001961.
Genomic context (GRCh38, chr17:43,092,521, plus strand): 5'-TCACTGTACTTGGAATGTTCTCATTTCCCATTTCTCTTTCAGGTGACATTGAATGTTCCT[C>G]AAAGTTTTCCTCTAGCAGATTTTTCTTACATTTAGTTTTAACAAATGACTTGATGGGAAA-3'
Protein context (NP_009225.1, residues 994-1014): CKKNLLEENF[Glu1004Gln]EHSMSPEREM